The following is an entry in ClinVar:

NM_212482.4(FN1):c.6448C>T (p.Arg2150Trp)

Gene: FN1 (fibronectin 1; minus strand). Cytogenetic location: 2q35.
Variant type: single nucleotide variant.
Coding change: c.6448C>T on transcript NM_212482.4 (MANE Select); coding-DNA position 6448, C replaced by T.
Protein change: p.Arg2150Trp; replaces arginine 2150 with tryptophan.
Molecular consequence: missense variant. On other transcripts: intron variant (3).
Genome position (GRCh38, 1-based): chr2:215,372,175, G>A on the plus strand (C>T on the coding strand, the complement: FN1 is on the minus strand). VCF-style: chr2-215372175-G-A. GRCh37 (hg19) VCF-style: chr2-216236898-G-A.
Other names: c.6448C>T, p.Arg2150Trp (NM_001306129.2); c.5905C>T, p.Arg1969Trp (NM_001306131.2, NM_212476.3); c.5830C>T, p.Arg1944Trp (NM_001306132.2, NM_001365523.2); c.6178C>T, p.Arg2060Trp (NM_001365517.2, NM_001365521.2); c.6175C>T, p.Arg2059Trp (NM_001365518.2, NM_002026.4); c.6103C>T, p.Arg2035Trp (NM_001365519.2, NM_001365522.2); c.6100C>T, p.Arg2034Trp (NM_001365520.2, NM_212478.3); c.5705-160C>T (NM_212474.3); and 2 more; short protein forms R2035W, R1944W, R1969W, R2059W, R2060W, R2150W, R2034W.
Identifiers: ClinVar variation 2072924 (VCV002072924.5), dbSNP rs1465212171, ClinGen allele CA350466870.

ClinVar aggregate classification (germline): Uncertain significance. Review status: criteria provided, multiple submitters, no conflicts (2 of 4 stars). 2 submissions from 2 submitters: Uncertain significance (2). Last evaluated 2024-11-14.

Allele frequency attached by ClinVar (database versions not stated): gnomAD 0.00001; TOPMed 0.00001.
gnomAD v4.1: 16 of 1,614,074 alleles (0.00099%); highest among the groups gnomAD compares: East Asian, 0.0045%; no homozygotes.

Submissions (2):

Blueprint Genetics
Classification: Uncertain significance. Last evaluated: 2024-11-14. Review status: criteria provided, single submitter. Criteria: ACMG Guidelines, 2015. Collection method: clinical testing. Allele origin: germline.

Labcorp Genetics (formerly Invitae), Labcorp
Classification: Uncertain significance. Last evaluated: 2022-02-20. Review status: criteria provided, single submitter. Criteria: Invitae Variant Classification Sherloc (09022015). Collection method: clinical testing. Allele origin: germline.
Comment: In summary, the available evidence is currently insufficient to determine the role of this variant in disease. Therefore, it has been classified as a Variant of Uncertain Significance. Algorithms developed to predict the effect of missense changes on protein structure and function are either unavailable or do not agree on the potential impact of this missense change (SIFT: "Not Available"; PolyPhen-2: "Possibly Damaging"; Align-GVGD: "Not Available"). This variant has not been reported in the literature in individuals affected with FN1-related conditions. This variant is not present in population databases (gnomAD no frequency). This sequence change replaces arginine, which is basic and polar, with tryptophan, which is neutral and slightly polar, at codon 2150 of the FN1 protein (p.Arg2150Trp).